The following is an entry in ClinVar:

ClinVar aggregate classification (germline): Conflicting classifications of pathogenicity. Review status: criteria provided, conflicting classifications (1 of 4 stars). 5 submissions from 5 submitters: Uncertain significance (2); Benign (1); Likely benign (2). Last evaluated 2026-01-27.

Conditions:
Multicentric osteolysis nodulosis arthropathy spectrum. Identifiers: Orphanet 3460, Orphanet 371428, MedGen C1850155, MONDO:0018298.

Allele frequency attached by ClinVar (database versions not stated): ExAC 0.00075; gnomAD 0.00108; 1000 Genomes Project 30x 0.00109; 1000 Genomes Project 0.00120; ESP Exome Variant Server 0.00139; TOPMed 0.00142.

Submissions (5):

Labcorp Genetics (formerly Invitae), Labcorp
Classification: Benign. Last evaluated: 2026-01-27. Review status: criteria provided, single submitter. Criteria: Invitae Variant Classification Sherloc (09022015). Collection method: clinical testing. Allele origin: germline.

Blueprint Genetics
Classification: Likely benign. Last evaluated: 2024-11-15. Review status: criteria provided, single submitter. Criteria: ACMG Guidelines, 2015. Collection method: clinical testing. Allele origin: germline.

CeGaT Center for Human Genetics Tuebingen
Classification: Likely benign. Last evaluated: 2022-08-01. Review status: criteria provided, single submitter. Criteria: CeGaT Center For Human Genetics Tuebingen Variant Classification Criteria Version 2. Collection method: clinical testing. Allele origin: germline. Affected: yes. Observed: 1 variant allele.
Comment: MMP2: BP4, BP7

Eurofins Ntd Llc (ga)
Classification: Uncertain significance. Last evaluated: 2017-09-28. Review status: criteria provided, single submitter. Criteria: EGL Classification Definitions 2015. Collection method: clinical testing. Allele origin: germline. Observed: 2 variant alleles, 2 heterozygotes.

Illumina Laboratory Services, Illumina
Classification: Uncertain significance for Multicentric osteolysis, nodulosis, and arthropathy. Last evaluated: 2017-04-27. Review status: criteria provided, single submitter. Criteria: ICSL Variant Classification Criteria 13 December 2019. Collection method: clinical testing. Allele origin: germline.

NM_004530.6(MMP2):c.759C>T (p.Ser253=)

Gene: MMP2 (matrix metallopeptidase 2; plus strand). Cytogenetic location: 16q12.2.
Variant type: single nucleotide variant.
Coding change: c.759C>T on transcript NM_004530.6 (MANE Select); coding-DNA position 759, C replaced by T.
Protein change: p.Ser253=; no amino-acid change (serine 253 retained).
Molecular consequence: synonymous variant.
Genome position (GRCh38, 1-based): chr16:55,485,704, C>T. VCF-style: chr16-55485704-C-T. GRCh37 (hg19) VCF-style: chr16-55519616-C-T.
Other names: c.609C>T, p.Ser203= (NM_001127891.3); c.531C>T, p.Ser177= (NM_001302508.1, NM_001302509.2, NM_001302510.2).
Identifiers: ClinVar variation 283518 (VCV000283518.45), dbSNP rs148801200, ClinGen allele CA8060189.